The following is an entry in ClinVar:

ClinVar aggregate classification (germline): Uncertain significance (1 of 4 stars; one submission).

Submission:

Labcorp Genetics (formerly Invitae), Labcorp
Classification: Uncertain significance. Last evaluated: 2024-02-01. Review status: criteria provided, single submitter. Criteria: Invitae Variant Classification Sherloc (09022015). Collection method: clinical testing. Allele origin: germline.
Comment: This sequence change replaces proline, which is neutral and non-polar, with alanine, which is neutral and non-polar, at codon 279 of the IL1RAPL1 protein (p.Pro279Ala). This variant is not present in population databases (gnomAD no frequency). This variant has not been reported in the literature in individuals affected with IL1RAPL1-related conditions. An algorithm developed to predict the effect of missense changes on protein structure and function (PolyPhen-2) suggests that this variant is likely to be disruptive. In summary, the available evidence is currently insufficient to determine the role of this variant in disease. Therefore, it has been classified as a Variant of Uncertain Significance.

NM_014271.4(IL1RAPL1):c.835C>G (p.Pro279Ala)

Gene: IL1RAPL1 (interleukin 1 receptor accessory protein like 1; plus strand). Cytogenetic location: Xp21.2.
Variant type: single nucleotide variant.
Coding change: c.835C>G on transcript NM_014271.4 (MANE Select); coding-DNA position 835, C replaced by G.
Protein change: p.Pro279Ala; replaces proline 279 with alanine.
Molecular consequence: missense variant.
Genome position (GRCh38, 1-based): chrX:29,917,520, C>G. VCF-style: chrX-29917520-C-G. GRCh37 (hg19) VCF-style: chrX-29935637-C-G.
Other names: short protein forms P279A.
Identifiers: ClinVar variation 3688451 (VCV003688451.2).
Genomic context (GRCh38, chrX:29,917,520, plus strand): 5'-GCAGGTGACTCTGCTAATCTAACCTGCAGAGCTTTCTTTGGGTACAGCGGAGATGTCAGT[C>G]CTTTAATTTACTGGATGAAAGGAGAAAAATTTATTGAAGATCTGGATGAAAATCGAGTTT-3'
Protein context (NP_055086.1, residues 269-289): AFFGYSGDVS[Pro279Ala]LIYWMKGEKF